The following is an entry in ClinVar:

NM_000535.7(PMS2):c.218G>A (p.Cys73Tyr)

Gene: PMS2 (PMS1 homolog 2, mismatch repair system component; minus strand). Cytogenetic location: 7p22.1.
Variant type: single nucleotide variant.
Coding change: c.218G>A on transcript NM_000535.7 (MANE Select); coding-DNA position 218, G replaced by A.
Protein change: p.Cys73Tyr; replaces cysteine 73 with tyrosine.
Molecular consequence: missense variant. On other transcripts: 5 prime UTR variant (9), initiator codon variant (2), non-coding transcript variant (1).
Genome position (GRCh38, 1-based): chr7:6,004,004, C>T on the plus strand (G>A on the coding strand, the complement: PMS2 is on the minus strand). VCF-style: chr7-6004004-C-T. GRCh37 (hg19) VCF-style: chr7-6043635-C-T.
Other names: c.-188G>A (NM_001322003.2, NM_001322004.2, NM_001322005.2 and 3 more transcripts); c.218G>A, p.Cys73Tyr (NM_001322006.2, NM_001322014.2); c.3G>A, p.Met1Ile (NM_001322007.2, NM_001322008.2); c.-667G>A (NM_001322011.2, NM_001322012.2); c.-267G>A (NM_001322015.2); c.3G>A (NM_001322007.1); short protein forms C73Y, M1I.
Identifiers: ClinVar variation 455691 (VCV000455691.17), dbSNP rs1326865470, ClinGen allele CA366744825.

ClinVar aggregate classification (germline): Uncertain significance. Review status: criteria provided, multiple submitters, no conflicts (2 of 4 stars). 8 submissions from 8 submitters: Uncertain significance (8). Last evaluated 2025-07-24.

Conditions:
PMS2-related disorder. Also called: PMS2-related condition.
Hereditary nonpolyposis colorectal neoplasms. Identifiers: MedGen C0009405, MeSH D003123.
Hereditary cancer-predisposing syndrome. Also called: Hereditary Cancer Syndrome; Hereditary neoplastic syndrome; Neoplastic Syndromes, Hereditary; Tumor predisposition. Identifiers: Orphanet 140162, MedGen C0027672, MeSH D009386, MONDO:0015356.
Lynch syndrome. Identifiers: Orphanet 144, MedGen C4552100, MONDO:0005835. Disease mechanism: loss of function.
Lynch syndrome 4 (LYNCH4). Also called: Colorectal cancer, hereditary nonpolyposis, type 4; Hereditary non-polyposis colorectal cancer, type 4. Identifiers: Orphanet 144, MedGen C1838333, MONDO:0013699, OMIM 614337. Disease mechanism: loss of function.

Allele frequency attached by ClinVar (database versions not stated): gnomAD exomes below 0.00001; TOPMed below 0.00001.
gnomAD v4.1: 4 of 1,605,486 alleles (0.00025%); highest among the groups gnomAD compares: Non-Finnish European, 0.00034%; no homozygotes.

Submissions (8):

Labcorp Genetics (formerly Invitae), Labcorp
Classification: Uncertain significance for Hereditary nonpolyposis colorectal neoplasms. Last evaluated: 2025-07-24. Review status: criteria provided, single submitter. Criteria: Invitae Variant Classification Sherloc (09022015). Collection method: clinical testing. Allele origin: germline.
Comment: This sequence change replaces cysteine, which is neutral and slightly polar, with tyrosine, which is neutral and polar, at codon 73 of the PMS2 protein (p.Cys73Tyr). This variant is present in population databases (no rsID available, gnomAD 0.0009%). This variant has not been reported in the literature in individuals affected with PMS2-related conditions. ClinVar contains an entry for this variant (Variation ID: 455691). Invitae Evidence Modeling incorporating data from in vitro experimental studies (internal data) indicates that this missense variant is not expected to disrupt PMS2 function with a negative predictive value of 95%. In summary, the available evidence is currently insufficient to determine the role of this variant in disease. Therefore, it has been classified as a Variant of Uncertain Significance.

All of Us Research Program, National Institutes of Health
Classification: Uncertain significance for Lynch syndrome. Last evaluated: 2024-04-16. Review status: criteria provided, single submitter. Criteria: ACMG Guidelines, 2015. Collection method: clinical testing. Allele origin: germline. Inheritance: Autosomal dominant inheritance. Observed: 1 variant allele, 1 heterozygote.
Comment: This missense variant replaces cysteine with tyrosine at codon 73 of the PMS2 protein. Computational prediction suggests that this variant may not impact protein structure and function (internally defined REVEL score threshold <= 0.5, PMID: 27666373). To our knowledge, functional studies have not been reported for this variant. This variant has not been reported in individuals affected with PMS2-related disorders in the literature. This variant has been identified in 1/250824 chromosomes in the general population by the Genome Aggregation Database (gnomAD). The available evidence is insufficient to determine the role of this variant in disease conclusively. Therefore, this variant is classified as a Variant of Uncertain Significance.

This study involves interpretation of variants in research participants for the purpose of population health screening. Participant phenotype was not available at the time of variant classification. Additional details can be found in publication PMID: 35346344, PMCID: PMC8962531

Color Diagnostics, LLC DBA Color Health
Classification: Uncertain significance for Hereditary cancer-predisposing syndrome. Last evaluated: 2024-03-19. Review status: criteria provided, single submitter. Criteria: ACMG Guidelines, 2015. Collection method: clinical testing. Allele origin: germline.
Comment: This missense variant replaces cysteine with tyrosine at codon 73 of the PMS2 protein. Computational prediction suggests that this variant may not impact protein structure and function. To our knowledge, functional studies have not been reported for this variant. This variant has not been reported in individuals affected with PMS2-related disorders in the literature. This variant has been identified in 1/250824 chromosomes in the general population by the Genome Aggregation Database (gnomAD). The available evidence is insufficient to determine the role of this variant in disease conclusively. Therefore, this variant is classified as a Variant of Uncertain Significance.

Baylor Genetics
Classification: Uncertain significance for Lynch syndrome 4. Last evaluated: 2023-11-10. Review status: criteria provided, single submitter. Criteria: ACMG Guidelines, 2015. Collection method: clinical testing. Allele origin: unknown.

Ambry Genetics
Classification: Uncertain significance for Hereditary cancer-predisposing syndrome. Last evaluated: 2023-10-31. Review status: criteria provided, single submitter. Criteria: Ambry Variant Classification Scheme 2023. Collection method: clinical testing. Allele origin: germline.
Comment: The p.C73Y variant (also known as c.218G>A), located in coding exon 3 of the PMS2 gene, results from a G to A substitution at nucleotide position 218. The cysteine at codon 73 is replaced by tyrosine, an amino acid with highly dissimilar properties. This amino acid position is not well conserved in available vertebrate species. In addition, the in silico prediction for this alteration is inconclusive. Since supporting evidence is limited at this time, the clinical significance of this alteration remains unclear.

PreventionGenetics, part of Exact Sciences
Classification: Uncertain significance for PMS2-related condition. Last evaluated: 2023-02-16. Review status: criteria provided, single submitter. Criteria: ACMG Guidelines, 2015. Collection method: clinical testing. Allele origin: germline.
Comment: The PMS2 c.3G>A variant is predicted to disrupt the translation initiation site (Start Loss). This variant corresponds to a missense change in he primary PMS2 transcript (NM_000535.6:c.218G>A, p.Cys73Tyr). To our knowledge, this variant has not been reported in the literature. This variant is reported in 1 of ~251,000 alleles in gnomAD. It is interpreted as uncertain significance in CllinVar. At this time, the clinical significance of this variant is uncertain due to the absence of conclusive functional and genetic evidence.

Sema4
Classification: Uncertain significance for Hereditary cancer-predisposing syndrome. Last evaluated: 2022-02-22. Review status: criteria provided, single submitter. Criteria: Sema4 Curation Guidelines. Collection method: curation. Allele origin: germline.
Comment: The PMS2 c.218G>A (p.C73Y) variant has not been reported in the literature to our knowledge. It was observed in 1/250824 chromosomes across all populations, in the large and broad cohorts of the Genome Aggregation Database (PMID: 32461654). The variant has been reported in ClinVar (Variation ID 455691). Functional studies have not been performed, and in silico predictions of the variant's effect on protein function are inconclusive. The evidence is insufficient to meet ACMG/AMP criteria for classifying the variant as benign or pathogenic. Thus, the clinical significance of this variant is currently uncertain.

Genetic Services Laboratory, University of Chicago
Classification: Uncertain significance. Last evaluated: 2020-04-27. Review status: criteria provided, single submitter. Criteria: ACMG Guidelines, 2015. Collection method: clinical testing. Allele origin: germline. Affected: no.
Comment: DNA sequence analysis of the PMS2 gene demonstrated a sequence change, c.218G>A, in exon 3 that results in an amino acid change, p.Cys73Tyr. This sequence change has been described in the gnomaD database with a low population frequency of 0.00039% (dbSNP rs1326865470). The p.Cys73Tyr change affects a moderately conserved amino acid residue located in a domain of the PMS2 protein that is known to be functional. In-silico pathogenicity prediction tools (SIFT, PolyPhen2, Align GVGD, REVEL) provide contradictory results for the p.Cys73Tyr substitution. This sequence change does not appear to have been previously reported in patients with PMS2-related disorders. Due to the lack of sufficient evidences, the clinical significance of the p.Cys73Tyr change remains unknown at this time.